The following is an entry in ClinVar:

NM_032620.4(GTPBP3):c.364G>A (p.Val122Met)

Gene: GTPBP3 (GTP binding protein 3, mitochondrial; plus strand). Cytogenetic location: 19p13.11.
Variant type: single nucleotide variant.
Coding change: c.364G>A on transcript NM_032620.4 (MANE Select); coding-DNA position 364, G replaced by A.
Protein change: p.Val122Met; replaces valine 122 with methionine.
Molecular consequence: missense variant.
Genome position (GRCh38, 1-based): chr19:17,338,427, G>A. VCF-style: chr19-17338427-G-A. GRCh37 (hg19) VCF-style: chr19-17449236-G-A.
Other names: c.364G>A, p.Val122Met (NM_001128855.3, NM_133644.4); c.430G>A, p.Val144Met (NM_001195422.1); short protein forms V122M, V144M.
Identifiers: ClinVar variation 2114364 (VCV002114364.4), dbSNP rs2074390206, ClinGen allele CA404732671.

ClinVar aggregate classification (germline): Uncertain significance (1 of 4 stars; one submission).

Allele frequency attached by ClinVar (database versions not stated): TOPMed below 0.00001.
gnomAD v4.1: 1 of 1,614,148 alleles (0.000062%); no homozygotes.

Submission:

Labcorp Genetics (formerly Invitae), Labcorp
Classification: Uncertain significance. Last evaluated: 2022-03-19. Review status: criteria provided, single submitter. Criteria: Invitae Variant Classification Sherloc (09022015). Collection method: clinical testing. Allele origin: germline.
Comment: In summary, the available evidence is currently insufficient to determine the role of this variant in disease. Therefore, it has been classified as a Variant of Uncertain Significance. Algorithms developed to predict the effect of missense changes on protein structure and function are either unavailable or do not agree on the potential impact of this missense change (SIFT: "Deleterious"; PolyPhen-2: "Probably Damaging"; Align-GVGD: "Class C0"). This variant has not been reported in the literature in individuals affected with GTPBP3-related conditions. This variant is not present in population databases (gnomAD no frequency). This sequence change replaces valine, which is neutral and non-polar, with methionine, which is neutral and non-polar, at codon 122 of the GTPBP3 protein (p.Val122Met).